The following is an entry in ClinVar:

ClinVar aggregate classification (germline): Likely benign. Review status: criteria provided, multiple submitters, no conflicts (2 of 4 stars). 2 submissions from 2 submitters: Likely benign (2). Last evaluated 2018-06-17.

Allele frequency attached by ClinVar (database versions not stated): 1000 Genomes Project 30x 0.00109; TOPMed 0.00125; 1000 Genomes Project 0.00140; gnomAD exomes 0.00223; gnomAD 0.00254 and 0.00260.
gnomAD v4.1: 1,914 of 845,280 alleles (0.23%); highest among the groups gnomAD compares: Non-Finnish European, 0.23%; 6 homozygotes.

Submissions (2):

GeneDx
Classification: Likely benign. Last evaluated: 2018-06-17. Review status: criteria provided, single submitter. Criteria: GeneDx Variant Classification (06012015). Collection method: clinical testing. Allele origin: germline. Affected: yes.
Comment: This variant is considered likely benign or benign based on one or more of the following criteria: it is a conservative change, it occurs at a poorly conserved position in the protein, it is predicted to be benign by multiple in silico algorithms, and/or has population frequency not consistent with disease.

Breakthrough Genomics
Classification: Likely benign. Review status: criteria provided, single submitter. Criteria: ACMG Guidelines, 2015. Collection method: not provided. Allele origin: germline. Inheritance: Autosomal dominant inheritance. Affected: yes.

NM_020975.6(RET):c.1063+145A>G

Gene: RET (ret proto-oncogene; plus strand). Cytogenetic location: 10q11.21.
Variant type: single nucleotide variant.
Coding change: c.1063+145A>G on transcript NM_020975.6 (MANE Select); 145 bases into the intron after coding-DNA position 1063, A replaced by G.
Molecular consequence: intron variant.
Genome position (GRCh38, 1-based): chr10:43,106,716, A>G. VCF-style: chr10-43106716-A-G. GRCh37 (hg19) VCF-style: chr10-43602164-A-G.
Other names: c.1063+145A>G (NM_020630.7, NM_001406743.1, NM_001406744.1 and 4 more transcripts); c.867+1523A>G (NM_001406772.1, NM_001406769.1); c.626-2315A>G (NM_001406773.1, NM_001406771.1); c.625+4087A>G (NM_001406782.1, NM_001406780.1, NM_001406779.1 and 3 more transcripts); c.934+145A>G (NM_001406764.1, NM_001406762.1, NM_001406761.1 and 1 more transcripts); c.738+1523A>G (NM_001406774.1); c.496+4087A>G (NM_001406786.1, NM_001406783.1); c.775+145A>G (NM_001406770.1, NM_001406766.1, NM_001406767.1); and 5 more.
Identifiers: ClinVar variation 679509 (VCV000679509.4), dbSNP rs182113946, ClinGen allele CA206257627.